The following is an entry in ClinVar:

ClinVar aggregate classification (germline): Benign/Likely benign. Review status: criteria provided, multiple submitters, no conflicts (2 of 4 stars). 2 submissions from 2 submitters: Benign (1); Likely benign (1). Last evaluated 2026-01-05.

Conditions:
Neurodevelopmental disorder with or without hyperkinetic movements and seizures, autosomal dominant. Also called: Intellectual disability, autosomal dominant 8. Identifiers: MedGen C3280282, MONDO:0013655, OMIM 614254.

Allele frequency attached by ClinVar (database versions not stated): ExAC 0.00002; gnomAD exomes 0.00002; gnomAD 0.00003 and 0.00004; TOPMed 0.00005.

Submissions (2):

Labcorp Genetics (formerly Invitae), Labcorp
Classification: Benign for Neurodevelopmental disorder with or without hyperkinetic movements and seizures, autosomal dominant. Last evaluated: 2026-01-05. Review status: criteria provided, single submitter. Criteria: Invitae Variant Classification Sherloc (09022015). Collection method: clinical testing. Allele origin: germline.

GeneDx
Classification: Likely benign. Last evaluated: 2016-04-07. Review status: criteria provided, single submitter. Criteria: GeneDx Variant Classification (06012015). Collection method: clinical testing. Allele origin: germline. Affected: yes.
Comment: This variant is considered likely benign or benign based on one or more of the following criteria: it is a conservative change, it occurs at a poorly conserved position in the protein, it is predicted to be benign by multiple in silico algorithms, and/or has population frequency not consistent with disease.

NM_007327.4(GRIN1):c.570+12C>T

Gene: GRIN1 (glutamate ionotropic receptor NMDA type subunit 1; plus strand). Cytogenetic location: 9q34.3.
Variant type: single nucleotide variant.
Coding change: c.570+12C>T on transcript NM_007327.4 (MANE Select); 12 bases into the intron after coding-DNA position 570, C replaced by T.
Molecular consequence: intron variant.
Genome position (GRCh38, 1-based): chr9:137,145,914, C>T. VCF-style: chr9-137145914-C-T. GRCh37 (hg19) VCF-style: chr9-140040366-C-T.
Other names: c.570+12C>T (NM_001185090.2, NM_001185091.2, NM_021569.4 and 1 more transcripts).
Identifiers: ClinVar variation 385229 (VCV000385229.9), dbSNP rs201869639, ClinGen allele CA5360676.